The following is an entry in ClinVar:

NM_001035.3(RYR2):c.8681A>G (p.Lys2894Arg)

Gene: RYR2 (ryanodine receptor 2; plus strand). Cytogenetic location: 1q43.
Variant type: single nucleotide variant.
Coding change: c.8681A>G on transcript NM_001035.3 (MANE Select); coding-DNA position 8681, A replaced by G.
Protein change: p.Lys2894Arg; replaces lysine 2894 with arginine.
Molecular consequence: missense variant.
Genome position (GRCh38, 1-based): chr1:237,674,186, A>G. VCF-style: chr1-237674186-A-G. GRCh37 (hg19) VCF-style: chr1-237837486-A-G.
Other names: c.8681A>G (NM_001035.2); short protein forms K2894R.
Identifiers: ClinVar variation 923139 (VCV000923139.10), dbSNP rs1374749880, ClinGen allele CA16621974.

ClinVar aggregate classification (germline): Uncertain significance. Review status: criteria provided, multiple submitters, no conflicts (2 of 4 stars). 5 submissions from 5 submitters: Uncertain significance (5). Last evaluated 2026-01-30.

Conditions:
Cardiovascular phenotype. Identifiers: MedGen CN230736.
Catecholaminergic polymorphic ventricular tachycardia (CVPT). Also called: Catecholamine-induced polymorphic ventricular tachycardia. Identifiers: Orphanet 3286, MedGen C5574922, MONDO:0017990.
Cardiomyopathy (CMYO). Also called: Cardiomyopathies. Identifiers: Orphanet 167848, MedGen C0878544, MONDO:0004994, HP:0001638. Inheritance: Various modes of inheritance.
Catecholaminergic polymorphic ventricular tachycardia 1. Also called: RYR2-Related Catecholaminergic Polymorphic Ventricular Tachycardia; VENTRICULAR TACHYCARDIA, STRESS-INDUCED POLYMORPHIC 1; VENTRICULAR TACHYCARDIA, CATECHOLAMINERGIC POLYMORPHIC, 1, WITH OR WITHOUT ATRIAL DYSFUNCTION AND/OR DILATED CARDIOMYOPATHY. Identifiers: Orphanet 3286, MedGen C1631597, MONDO:0011484, OMIM 604772.

Allele frequency attached by ClinVar (database versions not stated): gnomAD exomes 0.00002; gnomAD 0.00001; TOPMed below 0.00001.
gnomAD v4.1: 23 of 1,612,406 alleles (0.0014%); highest among the groups gnomAD compares: Non-Finnish European, 0.0019%; no homozygotes.

Submissions (5):

GeneDx
Classification: Uncertain significance. Last evaluated: 2026-01-30. Review status: criteria provided, single submitter. Criteria: GeneDx Variant Classification Process June 2021. Collection method: clinical testing. Allele origin: germline.
Comment: Not observed at significant frequency in large population cohorts (gnomAD); In silico analysis supports that this missense variant has a deleterious effect on protein structure/function; Has not been previously published as pathogenic or benign to our knowledge; Not located in one of the three hot-spot regions of the RYR2 gene, where the majority of pathogenic missense variants occur (PMID: 19926015); This variant is associated with the following publications: (PMID: 19926015)

Color Diagnostics, LLC DBA Color Health
Classification: Uncertain significance for Cardiomyopathy. Last evaluated: 2025-02-25. Review status: criteria provided, single submitter. Criteria: ACMG Guidelines, 2015. Collection method: clinical testing. Allele origin: germline.
Comment: This missense variant replaces lysine with arginine at codon 2894 of the RYR2 protein. Computational prediction tool is inconclusive regarding the impact of this variant on protein structure and function. To our knowledge, functional studies have not been reported for this variant. This variant has not been reported in individuals affected with RYR2-related disorders in the literature. This variant has been identified in 1/31380 chromosomes in the general population by the Genome Aggregation Database (gnomAD). The available evidence is insufficient to determine the role of this variant in disease conclusively. Therefore, this variant is classified as a Variant of Uncertain Significance.

All of Us Research Program, National Institutes of Health
Classification: Uncertain significance for Catecholaminergic polymorphic ventricular tachycardia. Last evaluated: 2024-04-10. Review status: criteria provided, single submitter. Criteria: ACMG Guidelines, 2015. Collection method: clinical testing. Allele origin: germline. Inheritance: Autosomal dominant inheritance. Observed: 1 variant allele, 1 heterozygote.
Comment: This variant is located in the RYR2 protein. Computational prediction is inconclusive regarding the impact of this variant on protein structure and function (internally defined REVEL score threshold 0.5 < inconclusive < 0.7, PMID: 27666373). To our knowledge, functional studies have not been reported for this variant. This variant has not been reported in individuals affected with cardiovascular disorders in the literature. This variant has been identified in 1/31380 chromosomes in the general population by the Genome Aggregation Database (gnomAD). The available evidence is insufficient to determine the role of this variant in disease conclusively. Therefore, this variant is classified as a Variant of Uncertain Significance.

This study involves interpretation of variants in research participants for the purpose of population health screening. Participant phenotype was not available at the time of variant classification. Additional details can be found in publication PMID: 35346344, PMCID: PMC8962531

Labcorp Genetics (formerly Invitae), Labcorp
Classification: Uncertain significance for Catecholaminergic polymorphic ventricular tachycardia 1. Last evaluated: 2022-02-09. Review status: criteria provided, single submitter. Criteria: Invitae Variant Classification Sherloc (09022015). Collection method: clinical testing. Allele origin: germline.
Comment: This sequence change replaces lysine, which is basic and polar, with arginine, which is basic and polar, at codon 2894 of the RYR2 protein (p.Lys2894Arg). This variant is present in population databases (no rsID available, gnomAD 0.007%). This variant has not been reported in the literature in individuals affected with RYR2-related conditions. ClinVar contains an entry for this variant (Variation ID: 923139). Advanced modeling of protein sequence and biophysical properties (such as structural, functional, and spatial information, amino acid conservation, physicochemical variation, residue mobility, and thermodynamic stability) performed at Invitae indicates that this missense variant is expected to disrupt RYR2 protein function. In summary, the available evidence is currently insufficient to determine the role of this variant in disease. Therefore, it has been classified as a Variant of Uncertain Significance.

Ambry Genetics
Classification: Uncertain significance for Cardiovascular phenotype. Last evaluated: 2020-11-06. Review status: criteria provided, single submitter. Criteria: Ambry Variant Classification Scheme 2023. Collection method: clinical testing. Allele origin: germline.
Comment: The p.K2894R variant (also known as c.8681A>G), located in coding exon 59 of the RYR2 gene, results from an A to G substitution at nucleotide position 8681. The lysine at codon 2894 is replaced by arginine, an amino acid with highly similar properties. This amino acid position is highly conserved in available vertebrate species. In addition, the in silico prediction for this alteration is inconclusive. Since supporting evidence is limited at this time, the clinical significance of this alteration remains unclear.